The following is an entry in ClinVar:

NM_001171.6(ABCC6):c.1649T>C (p.Val550Ala)

Gene: ABCC6 (ATP binding cassette subfamily C member 6; minus strand). Cytogenetic location: 16p13.11.
Variant type: single nucleotide variant.
Coding change: c.1649T>C on transcript NM_001171.6 (MANE Select); coding-DNA position 1649, T replaced by C.
Protein change: p.Val550Ala; replaces valine 550 with alanine.
Molecular consequence: missense variant. On other transcripts: non-coding transcript variant (1).
Genome position (GRCh38, 1-based): chr16:16,188,961, A>G on the plus strand (T>C on the coding strand, the complement: ABCC6 is on the minus strand). VCF-style: chr16-16188961-A-G. GRCh37 (hg19) VCF-style: chr16-16282818-A-G.
Other names: c.1307T>C, p.Val436Ala (NM_001351800.1); short protein forms V436A, V550A.
Identifiers: ClinVar variation 1517504 (VCV001517504.4), dbSNP rs914084997, ClinGen allele CA278657044.

ClinVar aggregate classification (germline): Uncertain significance. Review status: criteria provided, multiple submitters, no conflicts (2 of 4 stars). 2 submissions from 2 submitters: Uncertain significance (2). Last evaluated 2022-02-03.

Conditions:
Arterial calcification, generalized, of infancy, 2. Identifiers: Orphanet 51608, MedGen C3276161, MONDO:0013768, OMIM 614473.
Autosomal recessive inherited pseudoxanthoma elasticum (PXE). Identifiers: Orphanet 758, MedGen CN032334, MONDO:0009925, OMIM 264800.
Pseudoxanthoma elasticum, forme fruste. Also called: Pseudoxanthoma Elasticum, Incomplete; PSEUDOXANTHOMA ELASTICUM, HETEROZYGOUS. Identifiers: Orphanet 758, MedGen C1867450, MONDO:0008333, OMIM 177850.

Allele frequency attached by ClinVar (database versions not stated): gnomAD 0.00001; gnomAD exomes 0.00001; TOPMed 0.00001.
gnomAD v4.1: 14 of 1,606,564 alleles (0.00087%); highest among the groups gnomAD compares: Middle Eastern, 0.049%; 1 homozygote.

Submissions (2):

Fulgent Genetics
Classification: Uncertain significance for Pseudoxanthoma elasticum, forme fruste; Autosomal recessive inherited pseudoxanthoma elasticum; Arterial calcification, generalized, of infancy, 2. Last evaluated: 2022-02-03. Review status: criteria provided, single submitter. Criteria: ACMG Guidelines, 2015. Collection method: clinical testing. Allele origin: unknown.

Labcorp Genetics (formerly Invitae), Labcorp
Classification: Uncertain significance. Last evaluated: 2021-10-27. Review status: criteria provided, single submitter. Criteria: Invitae Variant Classification Sherloc (09022015). Collection method: clinical testing. Allele origin: germline.
Comment: This sequence change replaces valine, a(n) neutral and non-polar amino acid, with alanine, a(n) neutral and non-polar amino acid, at codon 550 of the ABCC6 protein (p.Val550Ala). This variant is not present in population databases (gnomAD no frequency). This variant has not been reported in the literature in individuals affected with ABCC6-related conditions. Advanced modeling of protein sequence and biophysical properties (such as structural, functional, and spatial information, amino acid conservation, physicochemical variation, residue mobility, and thermodynamic stability) performed at Invitae indicates that this missense variant is not expected to disrupt ABCC6 protein function. In summary, the available evidence is currently insufficient to determine the role of this variant in disease. Therefore, it has been classified as a Variant of Uncertain Significance.